The following is an entry in ClinVar:

ClinVar aggregate classification (germline): Uncertain significance. Review status: criteria provided, multiple submitters, no conflicts (2 of 4 stars). 4 submissions from 4 submitters: Uncertain significance (4). Last evaluated 2026-04-12.

Conditions:
Inborn genetic diseases. Identifiers: MedGen C0950123, MeSH D030342.

Allele frequency attached by ClinVar (database versions not stated): gnomAD 0.00001; TOPMed 0.00003; ExAC 0.00004.

Submissions (4):

GeneDx
Classification: Uncertain significance. Last evaluated: 2026-04-12. Review status: criteria provided, single submitter. Criteria: GeneDx Variant Classification Process June 2021. Collection method: clinical testing. Allele origin: germline.
Comment: In silico analysis supports that this missense variant has a deleterious effect on protein structure/function; Has not been previously published as pathogenic or benign to our knowledge

Labcorp Genetics (formerly Invitae), Labcorp
Classification: Uncertain significance. Last evaluated: 2022-01-13. Review status: criteria provided, single submitter. Criteria: Invitae Variant Classification Sherloc (09022015). Collection method: clinical testing. Allele origin: germline.
Comment: This sequence change replaces proline, which is neutral and non-polar, with leucine, which is neutral and non-polar, at codon 324 of the TSEN54 protein (p.Pro324Leu). The frequency data for this variant in the population databases is considered unreliable, as metrics indicate poor data quality at this position in the gnomAD database. This variant has not been reported in the literature in individuals affected with TSEN54-related conditions. Algorithms developed to predict the effect of missense changes on protein structure and function are either unavailable or do not agree on the potential impact of this missense change (SIFT: "Deleterious"; PolyPhen-2: "Probably Damaging"; Align-GVGD: "Class C0"). In summary, the available evidence is currently insufficient to determine the role of this variant in disease. Therefore, it has been classified as a Variant of Uncertain Significance.

Revvity Omics, Revvity
Classification: Uncertain significance. Last evaluated: 2021-11-29. Review status: criteria provided, single submitter. Criteria: ACMG Guidelines, 2015. Collection method: clinical testing. Allele origin: germline.

Ambry Genetics
Classification: Uncertain significance for Inborn genetic diseases. Last evaluated: 2021-06-18. Review status: criteria provided, single submitter. Criteria: Ambry Variant Classification Scheme 2023. Collection method: clinical testing. Allele origin: germline.

NM_207346.3(TSEN54):c.971C>T (p.Pro324Leu)

Gene: TSEN54 (tRNA splicing endonuclease subunit 54; plus strand). Cytogenetic location: 17q25.1.
Variant type: single nucleotide variant.
Coding change: c.971C>T on transcript NM_207346.3 (MANE Select); coding-DNA position 971, C replaced by T.
Protein change: p.Pro324Leu; replaces proline 324 with leucine.
Molecular consequence: missense variant.
Genome position (GRCh38, 1-based): chr17:75,522,052, C>T. VCF-style: chr17-75522052-C-T. GRCh37 (hg19) VCF-style: chr17-73518133-C-T.
Other names: short protein forms P324L.
Identifiers: ClinVar variation 1935982 (VCV001935982.8), dbSNP rs778507928, ClinGen allele CA8764314.